The following is an entry in ClinVar:

NM_001290043.2(TAP2):c.336C>T (p.Ser112=)

Gene: TAP2 (transporter 2, ATP binding cassette subfamily B member; minus strand). Cytogenetic location: 6p21.32.
Variant type: single nucleotide variant.
Coding change: c.336C>T on transcript NM_001290043.2 (MANE Select); coding-DNA position 336, C replaced by T.
Protein change: p.Ser112=; no amino-acid change (serine 112 retained).
Molecular consequence: synonymous variant.
Genome position (GRCh38, 1-based): chr6:32,837,898, G>A on the plus strand (C>T on the coding strand, the complement: TAP2 is on the minus strand). VCF-style: chr6-32837898-G-A. GRCh37 (hg19) VCF-style: chr6-32805675-G-A.
Other names: c.336C>T, p.Ser112= (NM_000544.3, NM_018833.3).
Identifiers: ClinVar variation 709636 (VCV000709636.14), dbSNP rs55765602, ClinGen allele CA3746176.

ClinVar aggregate classification (germline): Benign/Likely benign. Review status: criteria provided, multiple submitters, no conflicts (2 of 4 stars). 3 submissions from 3 submitters: Benign (1); Likely benign (1). 1 of the submissions does not count toward it. Last evaluated 2025-12-28.

Conditions:
MHC class I deficiency. Identifiers: Orphanet 34592, MedGen C6024714, MONDO:0011476.
TAP2-related disorder. Also called: TAP2-related condition.

Allele frequency attached by ClinVar (database versions not stated): gnomAD 0.00027 and 0.00052; TOPMed 0.00054; gnomAD exomes 0.00070 and 0.00111; ExAC 0.00118; 1000 Genomes Project 30x 0.00187; 1000 Genomes Project 0.00220.
gnomAD v4.1: 1,085 of 1,613,026 alleles (0.067%); highest among the groups gnomAD compares: East Asian, 2.3%; 18 homozygotes.

Submissions (3):

Labcorp Genetics (formerly Invitae), Labcorp
Classification: Benign for MHC class I deficiency 1. Last evaluated: 2025-12-28. Review status: criteria provided, single submitter. Criteria: Invitae Variant Classification Sherloc (09022015). Collection method: clinical testing. Allele origin: germline.

Blueprint Genetics
Classification: Likely benign. Last evaluated: 2024-06-24. Review status: criteria provided, single submitter. Criteria: ACMG Guidelines, 2015. Collection method: clinical testing. Allele origin: germline.

PreventionGenetics, part of Exact Sciences
Classification: Likely benign for TAP2-related condition. Last evaluated: 2024-01-31. Review status: no assertion criteria provided. Collection method: clinical testing. Allele origin: germline. Not counted in ClinVar's aggregate classification.
Comment: This variant is classified as likely benign based on ACMG/AMP sequence variant interpretation guidelines (Richards et al. 2015 PMID: 25741868, with internal and published modifications).